The following is an entry in ClinVar:

NM_001278624.2(NFXL1):c.1453-4T>A

Genes: NFXL1 (nuclear transcription factor, X-box binding like 1; minus strand), LOC101927179 (uncharacterized LOC101927179; plus strand). Cytogenetic location: 4p12.
Variant type: single nucleotide variant.
Coding change: c.1453-4T>A on transcript NM_001278624.2 (MANE Select); 4 bases into the intron before coding-DNA position 1453, T replaced by A.
Molecular consequence: intron variant.
Genome position (GRCh38, 1-based): chr4:47,890,707, A>T on the plus strand (T>A on the coding strand, the complement: NFXL1 is on the minus strand). VCF-style: chr4-47890707-A-T. GRCh37 (hg19) VCF-style: chr4-47892724-A-T.
Other names: c.1453-4T>A (NM_001278623.1, NM_152995.6).
Identifiers: ClinVar variation 3041147 (VCV003041147.2), dbSNP rs188343245, ClinGen allele CA2910583.

ClinVar aggregate classification (germline): Likely benign (0 of 4 stars; one submission).

Conditions:
NFXL1-related disorder. Also called: NFXL1-related condition.

Allele frequency attached by ClinVar (database versions not stated): gnomAD exomes 0.00007; ExAC 0.00021; 1000 Genomes Project 30x 0.00031; 1000 Genomes Project 0.00040; ESP Exome Variant Server 0.00054; gnomAD 0.00077; TOPMed 0.00089.
gnomAD v4.1: 220 of 1,559,430 alleles (0.014%); highest among the groups gnomAD compares: African/African-American, 0.25%; no homozygotes.

Submission:

PreventionGenetics, part of Exact Sciences
Classification: Likely benign for NFXL1-related condition. Last evaluated: 2019-12-26. Review status: no assertion criteria provided. Collection method: clinical testing. Allele origin: germline.
Comment: This variant is classified as likely benign based on ACMG/AMP sequence variant interpretation guidelines (Richards et al. 2015 PMID: 25741868, with internal and published modifications).